The following is an entry in ClinVar:

ClinVar aggregate classification (germline): Uncertain significance (1 of 4 stars; one submission).

Conditions:
Autosomal recessive limb-girdle muscular dystrophy type 2J (LGMDR10). Also called: MUSCULAR DYSTROPHY, LIMB-GIRDLE, AUTOSOMAL RECESSIVE 10; Limb-girdle muscular dystrophy, type 2J. Identifiers: Orphanet 140922, MedGen C1837342, MONDO:0012127, OMIM 608807.
Dilated cardiomyopathy 1G (CMD1G). Identifiers: Orphanet 154, MedGen C1858763, MONDO:0011400, OMIM 604145.

Submission:

Labcorp Genetics (formerly Invitae), Labcorp
Classification: Uncertain significance for Dilated cardiomyopathy 1G; Autosomal recessive limb-girdle muscular dystrophy type 2J. Last evaluated: 2025-12-28. Review status: criteria provided, single submitter. Criteria: Invitae Variant Classification Sherloc (09022015). Collection method: clinical testing. Allele origin: germline.
Comment: This sequence change replaces serine, which is neutral and polar, with arginine, which is basic and polar, at codon 35309 of the TTN protein (p.Ser35309Arg). This variant is not present in population databases (gnomAD no frequency). This variant has not been reported in the literature in individuals affected with TTN-related conditions. Experimental studies and prediction algorithms are not available or were not evaluated, and the functional significance of this variant is currently unknown. This variant is located in the M band of TTN (PMID: 25589632). Non-truncating variants in this region may be relevant for neuromuscular disorders, but have not been definitively shown to cause cardiomyopathy (PMID: 23975875). In summary, the available evidence is currently insufficient to determine the role of this variant in disease. Therefore, it has been classified as a Variant of Uncertain Significance.

Literature cited by the submitters: PubMed 25589632; PubMed 23975875.

NM_001267550.2(TTN):c.105927C>A (p.Ser35309Arg)

Genes: TTN (titin; minus strand), TTN-AS1 (TTN antisense RNA 1; plus strand), LOC129935183 (ATAC-STARR-seq lymphoblastoid active region 16808; plus strand). Cytogenetic location: 2q31.2.
Variant type: single nucleotide variant.
Coding change: c.105927C>A on transcript NM_001267550.2 (MANE Select); coding-DNA position 105927, C replaced by A.
Protein change: p.Ser35309Arg; replaces serine 35309 with arginine.
Molecular consequence: missense variant.
Genome position (GRCh38, 1-based): chr2:178,530,688, G>T on the plus strand (C>A on the coding strand, the complement: TTN is on the minus strand). VCF-style: chr2-178530688-G-T. GRCh37 (hg19) VCF-style: chr2-179395415-G-T.
Other names: c.101004C>A, p.Ser33668Arg (NM_001256850.1); c.78732C>A, p.Ser26244Arg (NM_003319.4); c.98223C>A, p.Ser32741Arg (NM_133378.4); c.79107C>A, p.Ser26369Arg (NM_133432.3); c.79308C>A, p.Ser26436Arg (NM_133437.4); short protein forms S26244R, S26369R, S32741R, S33668R, S35309R, S26436R.
Identifiers: ClinVar variation 4794394 (VCV004794394.1).